The following is an entry in ClinVar:

NM_001009944.3(PKD1):c.755dup (p.Pro253fs)

Gene: PKD1 (polycystin 1, transient receptor potential channel interacting; minus strand). Cytogenetic location: 16p13.3.
Variant type: Duplication.
Coding change: c.755dup on transcript NM_001009944.3 (MANE Select); coding-DNA position 755, one base duplicated (C; older notation c.755dupC).
Protein change: p.Pro253fs; shifts the reading frame from proline 253.
Molecular consequence: frameshift variant.
Genome position (GRCh38, 1-based): chr16:2,118,237, G duplicated on the plus strand (C on the coding strand, the reverse complement: PKD1 is on the minus strand); the first of 6 consecutive G bases (chr16:2,118,237-2,118,242); duplicating any one gives the same sequence. VCF-style (leftmost placement, unchanged base first): chr16-2118236-C-CG. GRCh37 (hg19) VCF-style: chr16-2168237-C-CG.
Other names: c.755dup, p.Pro253fs (NM_000296.4); c.755dupC (NM_001009944.2); short protein forms P253fs.
Identifiers: ClinVar variation 562290 (VCV000562290.7), dbSNP rs1352019198, ClinGen allele CA620705903.

ClinVar aggregate classification (germline): Pathogenic. Review status: criteria provided, multiple submitters, no conflicts (2 of 4 stars). 6 submissions from 6 submitters: Pathogenic (5). 1 of the submissions does not count toward it. Last evaluated 2024-12-18.

Conditions:
PKD1-related disorder. Also called: PKD1-related condition.
Polycystic kidney disease, adult type (PKD1). Also called: Polycystic Kidney Disease 1, Autosomal Dominant; Polycystic kidney disease 1; Polycystic kidney disease 1, severe; POLYCYSTIC KIDNEY DISEASE 1 WITH OR WITHOUT POLYCYSTIC LIVER DISEASE; Polycystic Kidney, Autosomal Dominant; POLYCYSTIC KIDNEY DISEASE, ADULT, TYPE I. Identifiers: MedGen C3149841, MONDO:0008263, OMIM 173900.

Submissions (6):

Genomic Medicine Center of Excellence, King Faisal Specialist Hospital and Research Centre
Classification: Pathogenic for Polycystic kidney disease, adult type. Last evaluated: 2024-12-18. Review status: criteria provided, single submitter. Criteria: ACMG Guidelines, 2015. Collection method: clinical testing. Allele origin: germline.

PreventionGenetics, part of Exact Sciences
Classification: Pathogenic for PKD1-related condition. Last evaluated: 2023-10-13. Review status: criteria provided, single submitter. Criteria: ACMG Guidelines, 2015. Collection method: clinical testing. Allele origin: germline.
Comment: The PKD1 c.755dupC variant is predicted to result in a frameshift and premature protein termination (p.Pro253Alafs*8). This variant has been reported to be pathogenic for autosomal dominant polycystic kidney disease (ADPKD) (see for example at Groopman et al. 2018. PubMed ID: 30586318, Table S7). This variant is reported in 0.016% of alleles in individuals of European (Finnish) descent in gnomAD. Frameshift variants in PKD1 are expected to be pathogenic. This variant is interpreted as pathogenic.

Women's Health and Genetics/Laboratory Corporation of America, LabCorp
Classification: Pathogenic for Polycystic kidney disease, adult type. Last evaluated: 2023-02-15. Review status: criteria provided, single submitter. Criteria: LabCorp Variant Classification Summary - May 2015. Collection method: clinical testing. Allele origin: germline.
Comment: Variant summary: PKD1 c.755dupC (p.Pro253AlafsX8) results in a premature termination codon, predicted to cause a truncation of the encoded protein or absence of the protein due to nonsense mediated decay, which are commonly known mechanisms for disease. Truncations downstream of this position have been classified as pathogenic by our laboratory. The variant allele was found at a frequency of 1.4e-05 in 138012 control chromosomes (gnomAD), however quality metrics indicate this data should be interpreted with caution. c.755dupC has been reported in the literature in individuals affected with Polycystic Kidney Disease, including one family in which the variant segregated with disease (e.g. Petrola_2005, Groopman_2019). These data indicate that the variant is likely to be associated with disease. To our knowledge, no experimental evidence demonstrating an impact on protein function has been reported. Two submitters have provided clinical-significance assessments for this variant to ClinVar after 2014 without evidence for independent evaluation. Both laboratories classified the variant as pathogenic. Based on the evidence outlined above, the variant was classified as pathogenic.

Fulgent Genetics
Classification: Pathogenic for Polycystic kidney disease, adult type. Last evaluated: 2022-01-04. Review status: criteria provided, single submitter. Criteria: ACMG Guidelines, 2015. Collection method: clinical testing. Allele origin: unknown.

Juno Genomics, Hangzhou Juno Genomics, Inc
Classification: Pathogenic for Polycystic kidney disease, adult type. Review status: criteria provided, single submitter. Criteria: ACMG Guidelines, 2015. Collection method: clinical testing. Allele origin: germline. Affected: yes.
Comment: Null variant in a gene where loss of function (LOF) is a known mechanism of disease.;Absent from controls (or at extremely low frequency if recessive) in Genome Aggregation Database, Exome Sequencing Project, 1000 Genomes Project, or Exome Aggregation Consortium.;The prevalence of the variant in affected individuals is significantly increased compared to the prevalence in controls.;Patient's phenotype or family history is highly specific for a disease with a single genetic etiology.

Gharavi Laboratory, Columbia University
Classification: Pathogenic. Last evaluated: 2018-09-16. Review status: no assertion criteria provided. Criteria: ACMG Guidelines, 2015. Collection method: research. Allele origin: germline. Affected: yes. Not counted in ClinVar's aggregate classification.

Literature cited by the submitters: PubMed 30586318 (cited by Women's Health and Genetics/Laboratory Corporation of America, LabCorp); PubMed 15772804 (cited by Women's Health and Genetics/Laboratory Corporation of America, LabCorp).